The following is an entry in ClinVar:

NM_018117.12(WDR11):c.655A>C (p.Thr219Pro)

Gene: WDR11 (WD repeat domain 11; plus strand). Cytogenetic location: 10q26.12.
Variant type: single nucleotide variant.
Coding change: c.655A>C on transcript NM_018117.12 (MANE Select); coding-DNA position 655, A replaced by C.
Protein change: p.Thr219Pro; replaces threonine 219 with proline.
Molecular consequence: missense variant.
Genome position (GRCh38, 1-based): chr10:120,862,863, A>C. VCF-style: chr10-120862863-A-C. GRCh37 (hg19) VCF-style: chr10-122622375-A-C.
Other names: short protein forms T219P.
Identifiers: ClinVar variation 3640783 (VCV003640783.2).
Genomic context (GRCh38, chr10:120,862,863, plus strand): 5'-AAAAAAGTTTACATATCCAGCCCACACTCTAGCCCAGCTCATAACAAGCTGGCCACAGCC[A>C]CAGGTGCCAAGAAAGCTCTAAATAAAGTAAAAATTTTAATCACTCAAGAGAAACCTAGGT-3'
Protein context (NP_060587.8, residues 209-229): SPAHNKLATA[Thr219Pro]GAKKALNKVK

ClinVar aggregate classification (germline): Uncertain significance (1 of 4 stars; one submission).

Submission:

Labcorp Genetics (formerly Invitae), Labcorp
Classification: Uncertain significance. Last evaluated: 2024-05-06. Review status: criteria provided, single submitter. Criteria: Invitae Variant Classification Sherloc (09022015). Collection method: clinical testing. Allele origin: germline.
Comment: This sequence change replaces threonine, which is neutral and polar, with proline, which is neutral and non-polar, at codon 219 of the WDR11 protein (p.Thr219Pro). This variant is not present in population databases (gnomAD no frequency). This variant has not been reported in the literature in individuals affected with WDR11-related conditions. An algorithm developed to predict the effect of missense changes on protein structure and function (PolyPhen-2) suggests that this variant is likely to be tolerated. In summary, the available evidence is currently insufficient to determine the role of this variant in disease. Therefore, it has been classified as a Variant of Uncertain Significance.